The following is an entry in ClinVar:

ClinVar aggregate classification (germline): Pathogenic (1 of 4 stars; one submission).

Conditions:
Deficiency of galactokinase. Also called: GALACTOSEMIA II; Galactokinase deficiency with cataracts. Identifiers: Orphanet 352, Orphanet 79237, MedGen C0268155, MONDO:0009255, OMIM 230200.

Submission:

Myriad Genetics, Inc.
Classification: Pathogenic for Deficiency of galactokinase. Last evaluated: 2023-09-27. Review status: criteria provided, single submitter. Criteria: Myriad Autosomal Dominant, Autosomal Recessive and X-Linked Classification Criteria (2023). Collection method: clinical testing. Allele origin: unknown.
Comment: NM_000154.1(GALK1):c.184dupG(V62Gfs*19) is expected to be pathogenic in the context of galactokinase deficiency. This variant is predicted to lead to an abnormal or absent protein product due to the creation of a premature termination codon in GALK1, a gene where loss-of-function variants are known to be pathogenic. Please note: this variant was assessed in the context of healthy population screening.

NM_000154.2(GALK1):c.184dup (p.Val62fs)

Gene: GALK1 (galactokinase 1; minus strand). Cytogenetic location: 17q25.1.
Variant type: Duplication.
Coding change: c.184dup on transcript NM_000154.2 (MANE Select); coding-DNA position 184, one base duplicated (G; older notation c.184dupG).
Protein change: p.Val62fs; shifts the reading frame from valine 62.
Molecular consequence: frameshift variant.
Genome position (GRCh38, 1-based): chr17:75,764,068, C duplicated on the plus strand (G on the coding strand, the reverse complement: GALK1 is on the minus strand); the first of 2 consecutive C bases (chr17:75,764,068-75,764,069); duplicating either gives the same sequence. VCF-style (leftmost placement, unchanged base first): chr17-75764067-A-AC. GRCh37 (hg19) VCF-style: chr17-73760148-A-AC.
Other names: c.184dup, p.Val62fs (NM_001381985.1); short protein forms V62fs.
Identifiers: ClinVar variation 5011762 (VCV005011762.1).
Genomic context (GRCh38, chr17:75,764,067, plus strand): 5'-GCACCCTCAGAGGTGGTGAGGAGAGACACCAGCCCATCCTTGCGGGGGCTGCCCACCAGC[A>AC]CCGTCATGAGCTCCAGAGCCTGGCAGGAGAGACAAGCAGTACGTGAGGCTTCCGCCAGCT-3'